The following is an entry in ClinVar:

ClinVar aggregate classification (germline): Conflicting classifications of pathogenicity. Review status: criteria provided, conflicting classifications (1 of 4 stars). 2 submissions from 2 submitters: Uncertain significance (1); Likely benign (1). Last evaluated 2024-12-12.

Conditions:
Hereditary cancer-predisposing syndrome. Also called: Hereditary neoplastic syndrome; Tumor predisposition; Neoplastic Syndromes, Hereditary; Hereditary Cancer Syndrome. Identifiers: Orphanet 140162, MedGen C0027672, MeSH D009386, MONDO:0015356.
EGFR-related lung cancer (EGFR). Identifiers: MedGen CN130014.

Allele frequency attached by ClinVar (database versions not stated): gnomAD exomes below 0.00001; ExAC 0.00001.
gnomAD v4.1: 1 of 1,614,046 alleles (0.000062%); highest among the groups gnomAD compares: Admixed American, 0.0017%; no homozygotes.

Submissions (2):

Ambry Genetics
Classification: Likely benign for Hereditary cancer-predisposing syndrome. Last evaluated: 2024-12-12. Review status: criteria provided, single submitter. Criteria: Ambry Variant Classification Scheme 2023. Collection method: clinical testing. Allele origin: germline.

Labcorp Genetics (formerly Invitae), Labcorp
Classification: Uncertain significance for EGFR-related lung cancer. Last evaluated: 2023-05-23. Review status: criteria provided, single submitter. Criteria: Invitae Variant Classification Sherloc (09022015). Collection method: clinical testing. Allele origin: germline.
Comment: In summary, the available evidence is currently insufficient to determine the role of this variant in disease. Therefore, it has been classified as a Variant of Uncertain Significance. Algorithms developed to predict the effect of missense changes on protein structure and function output the following: SIFT: "Not Available"; PolyPhen-2: "Benign"; Align-GVGD: "Not Available". The serine amino acid residue is found in multiple mammalian species, which suggests that this missense change does not adversely affect protein function. ClinVar contains an entry for this variant (Variation ID: 1505662). This variant has not been reported in the literature in individuals affected with EGFR-related conditions. This variant is present in population databases (rs762016851, gnomAD 0.003%). This sequence change replaces glycine, which is neutral and non-polar, with serine, which is neutral and polar, at codon 1134 of the EGFR protein (p.Gly1134Ser).

NM_005228.5(EGFR):c.3400G>A (p.Gly1134Ser)

Gene: EGFR (epidermal growth factor receptor; plus strand). Cytogenetic location: 7p11.2.
Variant type: single nucleotide variant.
Coding change: c.3400G>A on transcript NM_005228.5 (MANE Select); coding-DNA position 3400, G replaced by A.
Protein change: p.Gly1134Ser; replaces glycine 1134 with serine.
Molecular consequence: missense variant.
Genome position (GRCh38, 1-based): chr7:55,205,384, G>A. VCF-style: chr7-55205384-G-A. GRCh37 (hg19) VCF-style: chr7-55273077-G-A.
Other names: c.3265G>A, p.Gly1089Ser (NM_001346899.2); c.3241G>A, p.Gly1081Ser (NM_001346900.2); c.2599G>A, p.Gly867Ser (NM_001346941.2); c.3400G>A (NM_005228.3); short protein forms G867S, G1134S, G1081S, G1089S.
Identifiers: ClinVar variation 1505662 (VCV001505662.7), dbSNP rs762016851, ClinGen allele CA4266392.